The following is an entry in ClinVar:

NC_012920.1(MT-ND5):m.13780A>G

Gene: MT-ND5 (mitochondrially encoded NADH dehydrogenase 5; plus strand).
Variant type: single nucleotide variant.
Genome position: chrM-13780-A-G.
Identifiers: ClinVar variation 693608 (VCV000693608.2), dbSNP rs41358152, ClinGen allele CA337099810.
Genomic context (GRCh38, chrMT:13,780, plus strand): 5'-CTATTCGCAGGATTTCTCATTACTAACAACATTTCCCCCGCATCCCCCTTCCAAACAACA[A>G]TCCCCCTCTACCTAAAACTCACAGCCCTCGCTGTCACTTTCCTAGGACTTCTAACAGCCC-3'

ClinVar aggregate classification (germline): Benign/Likely benign. Review status: criteria provided, multiple submitters, no conflicts (2 of 4 stars). 2 submissions from 2 submitters: Benign (1); Likely benign (1). Last evaluated 2025-02-16.

Conditions:
Leigh syndrome (NULS). Also called: Leigh's necrotizing encephalopathy; Leigh's disease; Leigh's syndrome; LEIGH SYNDROME, NUCLEAR; Leigh Syndrome (mtDNA deletion); Leigh Disease. Identifiers: Orphanet 506, MedGen C2931891, MONDO:0009723, OMIM 256000.

Submissions (2):

Laboratory of Genetics, Children's Clinical University Hospital Latvia
Classification: Likely benign. Last evaluated: 2025-02-16. Review status: criteria provided, single submitter. Criteria: ACMG Guidelines, 2015. Collection method: clinical testing. Allele origin: germline. Affected: yes.

Wong Mito Lab, Molecular and Human Genetics, Baylor College of Medicine
Classification: Benign for Leigh syndrome. Last evaluated: 2019-10-17. Review status: criteria provided, single submitter. Criteria: Modified ACMG Guidelines (Unpublished). Collection method: clinical testing. Allele origin: germline.
Comment: The NC_012920.1:m.13780A>G (YP_003024036.1:p.Ile482Val) variant in MTND5 gene is interpretated to be a Benign variant based on the modified ACMG guidelines (unpublished). This variant meets the following evidence codes: BA1